The following is an entry in ClinVar:

NM_001105206.3(LAMA4):c.5405C>A (p.Pro1802Gln)

Gene: LAMA4 (laminin subunit alpha 4; minus strand). Cytogenetic location: 6q21.
Variant type: single nucleotide variant.
Coding change: c.5405C>A on transcript NM_001105206.3 (MANE Select); coding-DNA position 5405, C replaced by A.
Protein change: p.Pro1802Gln; replaces proline 1802 with glutamine.
Molecular consequence: missense variant.
Genome position (GRCh38, 1-based): chr6:112,109,504, G>T on the plus strand (C>A on the coding strand, the complement: LAMA4 is on the minus strand). VCF-style: chr6-112109504-G-T. GRCh37 (hg19) VCF-style: chr6-112430707-G-T.
Other names: c.5384C>A, p.Pro1795Gln (NM_001105207.3, NM_002290.5); c.5384C>A (LRG_433t2); short protein forms P1795Q, P1802Q.
Identifiers: ClinVar variation 264038 (VCV000264038.8), dbSNP rs886039017, ClinGen allele CA10587621.
Genomic context (GRCh38, chr6:112,109,504, plus strand): 5'-GCTGGACAGGAGTTGATGCTTACGGCGCCGCTGACCAGGGCTGCTTTACTGAAGCTCACT[G>T]GGTGTCCATCAATCACAAAGTGGCGTATGCAGCCTGTGAAGGGTTTGCTGGGGGCCAAGC-3'
Protein context (NP_001098676.2, residues 1792-1812): CIRHFVIDGH[Pro1802Gln]VSFSKAALVS

ClinVar aggregate classification (germline): Uncertain significance. Review status: criteria provided, multiple submitters, no conflicts (2 of 4 stars). 2 submissions from 2 submitters: Uncertain significance (2). Last evaluated 2023-11-01.

Conditions:
Cardiovascular phenotype. Identifiers: MedGen CN230736.
Dilated cardiomyopathy 1JJ (CMD1JJ). Identifiers: Orphanet 154, MedGen C3808935, MONDO:0014095, OMIM 615235.

Allele frequency attached by ClinVar (database versions not stated): TOPMed below 0.00001; gnomAD exomes 0.00001.
gnomAD v4.1: 4 of 1,614,098 alleles (0.00025%); highest among the groups gnomAD compares: Non-Finnish European, 0.00034%; no homozygotes.

Submissions (2):

Ambry Genetics
Classification: Uncertain significance for Cardiovascular phenotype. Last evaluated: 2023-11-01. Review status: criteria provided, single submitter. Criteria: Ambry Variant Classification Scheme 2023. Collection method: clinical testing. Allele origin: germline.
Comment: The p.P1795Q variant (also known as c.5384C>A), located in coding exon 38 of the LAMA4 gene, results from a C to A substitution at nucleotide position 5384. The proline at codon 1795 is replaced by glutamine, an amino acid with similar properties. This amino acid position is well conserved in available vertebrate species; however, glutamine is the reference amino acid in other vertebrate species. In addition, the in silico prediction for this alteration is inconclusive. Since supporting evidence is limited at this time, the clinical significance of this alteration remains unclear.

Labcorp Genetics (formerly Invitae), Labcorp
Classification: Uncertain significance for Dilated cardiomyopathy 1JJ. Last evaluated: 2023-05-25. Review status: criteria provided, single submitter. Criteria: Invitae Variant Classification Sherloc (09022015). Collection method: clinical testing. Allele origin: germline.
Comment: In summary, the available evidence is currently insufficient to determine the role of this variant in disease. Therefore, it has been classified as a Variant of Uncertain Significance. This sequence change replaces proline, which is neutral and non-polar, with glutamine, which is neutral and polar, at codon 1795 of the LAMA4 protein (p.Pro1795Gln). This variant is not present in population databases (gnomAD no frequency). This variant has not been reported in the literature in individuals affected with LAMA4-related conditions. ClinVar contains an entry for this variant (Variation ID: 264038). An algorithm developed to predict the effect of missense changes on protein structure and function (PolyPhen-2) suggests that this variant is likely to be disruptive.